The following is an entry in ClinVar:

NM_000218.3(KCNQ1):c.684-4G>A

Gene: KCNQ1 (potassium voltage-gated channel subfamily Q member 1; plus strand). Cytogenetic location: 11p15.5.
Variant type: single nucleotide variant.
Coding change: c.684-4G>A on transcript NM_000218.3 (MANE Select); 4 bases into the intron before coding-DNA position 684, G replaced by A.
Molecular consequence: intron variant.
Genome position (GRCh38, 1-based): chr11:2,572,009, G>A. VCF-style: chr11-2572009-G-A. GRCh37 (hg19) VCF-style: chr11-2593239-G-A.
Other names: c.414-4G>A (NM_001406837.1); c.684-4G>A (NM_001406836.1); c.478-11426G>A (NM_001406838.1); c.303-4G>A (NM_181798.2).
Identifiers: ClinVar variation 702842 (VCV000702842.18), dbSNP rs750965939, ClinGen allele CA040007.

ClinVar aggregate classification (germline): Conflicting classifications of pathogenicity. Review status: criteria provided, conflicting classifications (1 of 4 stars). 5 submissions from 5 submitters: Uncertain significance (3); Likely benign (2). Last evaluated 2026-08-01.

Conditions:
Cardiovascular phenotype. Identifiers: MedGen CN230736.
Cardiac arrhythmia. Also called: Arrhythmia; Cardiac rhythm disease. Identifiers: MedGen C0003811, MONDO:0007263, HP:0011675.
Long QT syndrome (LQTS). Identifiers: MedGen C0023976, MeSH D008133, MONDO:0002442. Disease mechanism: loss of function. Inheritance: Various modes of inheritance.

Allele frequency attached by ClinVar (database versions not stated): ExAC 0.00001; TOPMed 0.00003.
gnomAD v4.1: 42 of 1,611,382 alleles (0.0026%); highest among the groups gnomAD compares: Non-Finnish European, 0.0034%; no homozygotes.

Submissions (5):

CeGaT Center for Human Genetics Tuebingen
Classification: Uncertain significance. Last evaluated: 2026-08-01. Review status: criteria provided, single submitter. Criteria: CeGaT Center For Human Genetics Tuebingen Variant Classification Criteria Version 2. Collection method: clinical testing. Allele origin: germline. Affected: yes. Observed: 1 variant allele.

GeneDx
Classification: Uncertain significance. Last evaluated: 2025-07-22. Review status: criteria provided, single submitter. Criteria: GeneDx Variant Classification Process June 2021. Collection method: clinical testing. Allele origin: germline. Affected: yes.
Comment: Not observed at significant frequency in large population cohorts (gnomAD); In silico analysis supports a deleterious effect on splicing; Has not been previously published as pathogenic or benign to our knowledge

Labcorp Genetics (formerly Invitae), Labcorp
Classification: Likely benign for Long QT syndrome. Last evaluated: 2025-07-06. Review status: criteria provided, single submitter. Criteria: Invitae Variant Classification Sherloc (09022015). Collection method: clinical testing. Allele origin: germline.

Ambry Genetics
Classification: Uncertain significance for Cardiovascular phenotype. Last evaluated: 2023-01-09. Review status: criteria provided, single submitter. Criteria: Ambry Variant Classification Scheme 2023. Collection method: clinical testing. Allele origin: germline.
Comment: The c.684-4G>A intronic variant results from a G to A substitution 4 nucleotides upstream from coding exon 5 in the KCNQ1 gene. This nucleotide position is poorly conserved in available vertebrate species. In silico splice site analysis predicts that this alteration will result in the creation or strengthening of a novel splice acceptor site. Since supporting evidence is limited at this time, the clinical significance of this alteration remains unclear.

Color Diagnostics, LLC DBA Color Health
Classification: Likely benign for Arrhythmia. Last evaluated: 2019-03-08. Review status: criteria provided, single submitter. Criteria: ACMG Guidelines, 2015. Collection method: clinical testing. Allele origin: germline.